The following is an entry in ClinVar:

ClinVar aggregate classification (germline): Likely pathogenic. Review status: reviewed by expert panel (3 of 4 stars). 2 submissions from 2 submitters: Likely pathogenic (1). 1 of the submissions does not count toward it. Last evaluated 2026-10-30.

Conditions:
RPGR-related retinopathy. Also called: RPGR retinopathy. Identifiers: MedGen CN305589, MONDO:0100437.

Submissions (2):

ClinGen X-linked Inherited Retinal Disease Variant Curation Expert Panel, ClinGen
Classification: Likely pathogenic for RPGR-related retinopathy. Last evaluated: 2026-10-30. Review status: reviewed by expert panel. Criteria: ClinGen X LinkedIRD ACMG Specifications RPGR V1.0.0. Collection method: curation. Allele origin: germline. Inheritance: X-linked inheritance.
Comment: NM_001034853.2(RPGR):c.605C>A (p.Ser202Ter) is a nonsense variant in amino acid 202 that results in a premature stop codon, which is predicted to disrupt a critical C-terminal region required for proper glutamylation of RPGR (PVS1, PMID: 36445968). This variant is absent from hemizygous individuals in gnomAD v4.1.2 (PM2_Supporting). At least one proband harboring this variant exhibits a phenotype including early onset (1 pt), reduced visual acuity (0.5 pts), and reduced electroretinogram responses, which together are not sufficiently specific for RPGR-related retinopathy to meet PP4 (1.5 points, PMID: 17325176). This variant has been reported in at least 1 proband meeting the PS4 requirement of some functional vision impairment in affected males by age 30 years, with decreased or absent cone and/or rod electroretinogram responses (PMID: 10937588). However, PS4_Supporting requires at least 2 unrelated probands, so this criterion was not met. In summary, this variant is classified as Likely Pathogenic for RPGR-related retinopathy based on the ClinGen X-linked Inherited Retinal Disease Expert Panel Specifications to the ACMG/AMP Variant Interpretation Guidelines for RPGR Version 1.0.0: PVS1 and PM2_Supporting.

Retina International
No classification provided. Review status: no classification provided. Collection method: not provided. Allele origin: not provided. Not counted in ClinVar's aggregate classification.

NM_001034853.2(RPGR):c.605C>A (p.Ser202Ter)

Gene: RPGR (retinitis pigmentosa GTPase regulator; minus strand). Cytogenetic location: Xp11.4.
Variant type: single nucleotide variant.
Coding change: c.605C>A on transcript NM_001034853.2 (MANE Select); coding-DNA position 605, C replaced by A.
Protein change: p.Ser202Ter; replaces serine 202 with a stop codon.
Molecular consequence: nonsense. On other transcripts: non-coding transcript variant (5).
Genome position (GRCh38, 1-based): chrX:38,317,330, G>T on the plus strand (C>A on the coding strand, the complement: RPGR is on the minus strand). VCF-style: chrX-38317330-G-T. GRCh37 (hg19) VCF-style: chrX-38176583-G-T.
Other names: c.605C>A, p.Ser202Ter (NM_000328.3, NM_001367245.1, NM_001367246.1 and 3 more transcripts); c.635C>A, p.Ser212Ter (NM_001367248.1); c.602C>A, p.Ser201Ter (NM_001367249.1); short protein forms S202*, S201*, S212*.
Identifiers: ClinVar variation 98791 (VCV000098791.2), dbSNP rs62650217, ClinGen allele CA226429.